The following is an entry in ClinVar:

NM_000236.3(LIPC):c.88+52C>T

Gene: LIPC (lipase C, hepatic type; plus strand). Cytogenetic location: 15q21.3.
Variant type: single nucleotide variant.
Coding change: c.88+52C>T on transcript NM_000236.3 (MANE Select); 52 bases into the intron after coding-DNA position 88, C replaced by T.
Molecular consequence: intron variant.
Genome position (GRCh38, 1-based): chr15:58,432,172, C>T. VCF-style: chr15-58432172-C-T. GRCh37 (hg19) VCF-style: chr15-58724371-C-T.
Identifiers: ClinVar variation 1244570 (VCV001244570.3), dbSNP rs8192701, ClinGen allele CA7584688.

ClinVar aggregate classification (germline): Benign. Review status: criteria provided, multiple submitters, no conflicts (2 of 4 stars). 2 submissions from 2 submitters: Benign (2). Last evaluated 2018-09-21.

Allele frequency attached by ClinVar (database versions not stated): 1000 Genomes Project 30x 0.08932; 1000 Genomes Project 0.09006; TOPMed 0.09375; gnomAD 0.10186 and 0.10386; ESP Exome Variant Server 0.10617; gnomAD exomes 0.14086 and 0.12189; ExAC 0.12287.
gnomAD v4.1: 178,988 of 1,315,820 alleles (14%); highest among the groups gnomAD compares: South Asian, 15%; 13,239 homozygotes.

Submissions (2):

GeneDx
Classification: Benign. Last evaluated: 2018-09-21. Review status: criteria provided, single submitter. Criteria: GeneDx Variant Classification Process June 2021. Collection method: clinical testing. Allele origin: germline. Affected: yes.
Comment: This variant is associated with the following publications: (PMID: 14551916)

Breakthrough Genomics
Classification: Benign. Review status: criteria provided, single submitter. Criteria: ACMG Guidelines, 2015. Collection method: not provided. Allele origin: germline. Inheritance: Autosomal recessive inheritance. Affected: yes.